The following is an entry in ClinVar:

NM_003954.5(MAP3K14):c.155G>A (p.Cys52Tyr)

Gene: MAP3K14 (mitogen-activated protein kinase kinase kinase 14; minus strand). Cytogenetic location: 17q21.31.
Variant type: single nucleotide variant.
Coding change: c.155G>A on transcript NM_003954.5 (MANE Select); coding-DNA position 155, G replaced by A.
Protein change: p.Cys52Tyr; replaces cysteine 52 with tyrosine.
Molecular consequence: missense variant.
Genome position (GRCh38, 1-based): chr17:45,290,591, C>T on the plus strand (G>A on the coding strand, the complement: MAP3K14 is on the minus strand). VCF-style: chr17-45290591-C-T. GRCh37 (hg19) VCF-style: chr17-43367957-C-T.
Other names: short protein forms C52Y.
Identifiers: ClinVar variation 858564 (VCV000858564.8), dbSNP rs200601398, ClinGen allele CA8614444.
Genomic context (GRCh38, chr17:45,290,591, plus strand): 5'-TCGGAGCCTTCCTTGGCTGTGCCCTTGGTAATCACGTCATTCAGGATCTCCCACTTTCCG[C>T]AGAACACAGGGCTCTTCTCCACGGCCTCAAGCTTGTAGACGGAGCTCTGTTTCTTCCCCA-3'
Protein context (NP_003945.2, residues 42-62): LEAVEKSPVF[Cys52Tyr]GKWEILNDVI

ClinVar aggregate classification (germline): Uncertain significance. Review status: criteria provided, multiple submitters, no conflicts (2 of 4 stars). 2 submissions from 2 submitters: Uncertain significance (2). Last evaluated 2024-11-26.

Conditions:
NIK deficiency. Also called: Primary immunodeficiency with multifaceted aberrant lymphoid immunity. Identifiers: Orphanet 447731, MedGen C5680065, MONDO:0018642.

Allele frequency attached by ClinVar (database versions not stated): gnomAD exomes 0.00014 and 0.00033; gnomAD 0.00016; TOPMed 0.00016; ExAC 0.00017; ESP Exome Variant Server 0.00032.
gnomAD v4.1: 525 of 1,613,708 alleles (0.033%); highest among the groups gnomAD compares: Non-Finnish European, 0.041%; 1 homozygote.

Submissions (2):

Blueprint Genetics
Classification: Uncertain significance. Last evaluated: 2024-11-26. Review status: criteria provided, single submitter. Criteria: ACMG Guidelines, 2015. Collection method: clinical testing. Allele origin: germline.

Labcorp Genetics (formerly Invitae), Labcorp
Classification: Uncertain significance for NIK deficiency. Last evaluated: 2022-05-31. Review status: criteria provided, single submitter. Criteria: Invitae Variant Classification Sherloc (09022015). Collection method: clinical testing. Allele origin: germline.
Comment: This sequence change replaces cysteine, which is neutral and slightly polar, with tyrosine, which is neutral and polar, at codon 52 of the MAP3K14 protein (p.Cys52Tyr). This variant is present in population databases (rs200601398, gnomAD 0.03%). This variant has not been reported in the literature in individuals affected with MAP3K14-related conditions. ClinVar contains an entry for this variant (Variation ID: 858564). In summary, the available evidence is currently insufficient to determine the role of this variant in disease. Therefore, it has been classified as a Variant of Uncertain Significance.